The following is an entry in ClinVar:

ClinVar aggregate classification (germline): Uncertain significance. Review status: criteria provided, multiple submitters, no conflicts (2 of 4 stars). 4 submissions from 4 submitters: Uncertain significance (4). Last evaluated 2025-11-03.

Conditions:
Congenital myasthenic syndrome 8. Also called: MYASTHENIC SYNDROME, CONGENITAL, DUE TO AGRIN DEFICIENCY; Myasthenic syndrome, congenital, 8, with pre- and postsynaptic defects. Identifiers: Orphanet 590, MedGen C3808739, MONDO:0014052, OMIM 615120.
Inborn genetic diseases. Identifiers: MedGen C0950123, MeSH D030342.

Allele frequency attached by ClinVar (database versions not stated): gnomAD 0.00001; TOPMed 0.00001; gnomAD exomes 0.00002; ExAC 0.00003.
gnomAD v4.1: 27 of 1,574,862 alleles (0.0017%); highest among the groups gnomAD compares: Admixed American, 0.0057%; no homozygotes.

Submissions (4):

Ambry Genetics
Classification: Uncertain significance for Inborn genetic diseases. Last evaluated: 2025-11-03. Review status: criteria provided, single submitter. Criteria: Ambry Variant Classification Scheme 2023. Collection method: clinical testing. Allele origin: germline.

Revvity Omics, Revvity
Classification: Uncertain significance for Congenital myasthenic syndrome 8. Last evaluated: 2023-09-06. Review status: criteria provided, single submitter. Criteria: ACMG Guidelines, 2015. Collection method: clinical testing. Allele origin: germline.

Labcorp Genetics (formerly Invitae), Labcorp
Classification: Uncertain significance for Congenital myasthenic syndrome 8. Last evaluated: 2021-09-02. Review status: criteria provided, single submitter. Criteria: Invitae Variant Classification Sherloc (09022015). Collection method: clinical testing. Allele origin: germline.
Comment: This sequence change replaces glycine with arginine at codon 1549 of the AGRN protein (p.Gly1549Arg). The glycine residue is highly conserved and there is a moderate physicochemical difference between glycine and arginine. This variant is present in population databases (rs758000357, ExAC 0.01%). This variant has not been reported in the literature in individuals affected with AGRN-related conditions. ClinVar contains an entry for this variant (Variation ID: 806028). Algorithms developed to predict the effect of missense changes on protein structure and function output the following: SIFT: "Deleterious"; PolyPhen-2: "Possibly Damaging"; Align-GVGD: "Class C15". The arginine amino acid residue is found in multiple mammalian species, which suggests that this missense change does not adversely affect protein function. In summary, the available evidence is currently insufficient to determine the role of this variant in disease. Therefore, it has been classified as a Variant of Uncertain Significance.

CeGaT Center for Human Genetics Tuebingen
Classification: Uncertain significance. Last evaluated: 2018-09-01. Review status: criteria provided, single submitter. Criteria: CeGaT Center For Human Genetics Tuebingen Variant Classification Criteria Version 2. Collection method: clinical testing. Allele origin: germline. Affected: yes. Observed: 1 variant allele.

NM_198576.4(AGRN):c.4645G>A (p.Gly1549Arg)

Gene: AGRN (agrin; plus strand). Cytogenetic location: 1p36.33.
Variant type: single nucleotide variant.
Coding change: c.4645G>A on transcript NM_198576.4 (MANE Select); coding-DNA position 4645, G replaced by A.
Protein change: p.Gly1549Arg; replaces glycine 1549 with arginine.
Molecular consequence: missense variant.
Genome position (GRCh38, 1-based): chr1:1,049,696, G>A. VCF-style: chr1-1049696-G-A. GRCh37 (hg19) VCF-style: chr1-985076-G-A.
Other names: c.4645G>A, p.Gly1549Arg (NM_001305275.2); c.4330G>A, p.Gly1444Arg (NM_001364727.2); c.4645G>A (NM_198576.3); short protein forms G1444R, G1549R.
Identifiers: ClinVar variation 806028 (VCV000806028.48), dbSNP rs758000357, ClinGen allele CA509560.